The following is an entry in ClinVar:

NM_005751.5(AKAP9):c.8656A>C (p.Ile2886Leu)

Gene: AKAP9 (A-kinase anchoring protein 9; plus strand). Cytogenetic location: 7q21.2.
Variant type: single nucleotide variant.
Coding change: c.8656A>C on transcript NM_005751.5 (MANE Select); coding-DNA position 8656, A replaced by C.
Protein change: p.Ile2886Leu; replaces isoleucine 2886 with leucine.
Molecular consequence: missense variant.
Genome position (GRCh38, 1-based): chr7:92,084,649, A>C. VCF-style: chr7-92084649-A-C. GRCh37 (hg19) VCF-style: chr7-91713963-A-C.
Other names: c.3301A>C, p.Ile1101Leu (NM_001379277.1); c.8632A>C, p.Ile2878Leu (NM_147185.3); short protein forms I1101L, I2878L, I2886L.
Identifiers: ClinVar variation 1716593 (VCV001716593.5), dbSNP rs143283097, ClinGen allele CA4337546.
Genomic context (GRCh38, chr7:92,084,649, plus strand): 5'-CTATTTTTATTAAAGCAAAAAATATATGTACTTTTTGTTTTCTCTAATTAGGGATCCTCA[A>C]TTCCTGAGCTAGCACATTCTGATGCTTACCAGACTAGAGAAATATGCTCCAGTGGTAAGT-3'
Protein context (NP_005742.4, residues 2876-2896): QCLRSKEGSS[Ile2886Leu]PELAHSDAYQ

ClinVar aggregate classification (germline): Uncertain significance (1 of 4 stars; one submission).

Conditions:
Long QT syndrome (LQTS). Identifiers: MedGen C0023976, MeSH D008133, MONDO:0002442. Disease mechanism: loss of function. Inheritance: Various modes of inheritance.

gnomAD v4.1: 8 of 1,608,984 alleles (0.0005%); highest among the groups gnomAD compares: South Asian, 0.0088%; no homozygotes.

Submission:

Labcorp Genetics (formerly Invitae), Labcorp
Classification: Uncertain significance for Long QT syndrome. Last evaluated: 2022-07-17. Review status: criteria provided, single submitter. Criteria: Invitae Variant Classification Sherloc (09022015). Collection method: clinical testing. Allele origin: germline.
Comment: This sequence change replaces isoleucine, which is neutral and non-polar, with leucine, which is neutral and non-polar, at codon 2886 of the AKAP9 protein (p.Ile2886Leu). This variant is present in population databases (rs143283097, gnomAD 0.02%). In summary, the available evidence is currently insufficient to determine the role of this variant in disease. Therefore, it has been classified as a Variant of Uncertain Significance. Algorithms developed to predict the effect of missense changes on protein structure and function output the following: SIFT: "Tolerated"; PolyPhen-2: "Benign"; Align-GVGD: "Class C0". The leucine amino acid residue is found in multiple mammalian species, which suggests that this missense change does not adversely affect protein function. This variant has not been reported in the literature in individuals affected with AKAP9-related conditions.